The following is an entry in ClinVar:

NM_001111.5(ADAR):c.722T>G (p.Leu241Arg)

Gene: ADAR (adenosine deaminase RNA specific; minus strand). Cytogenetic location: 1q21.3.
Variant type: single nucleotide variant.
Coding change: c.722T>G on transcript NM_001111.5 (MANE Select); coding-DNA position 722, T replaced by G.
Protein change: p.Leu241Arg; replaces leucine 241 with arginine.
Molecular consequence: missense variant. On other transcripts: 5 prime UTR variant (6).
Genome position (GRCh38, 1-based): chr1:154,601,920, A>C on the plus strand (T>G on the coding strand, the complement: ADAR is on the minus strand). VCF-style: chr1-154601920-A-C. GRCh37 (hg19) VCF-style: chr1-154574396-A-C.
Other names: c.-164T>G (NM_001193495.2, NM_001365046.1, NM_001365047.1 and 3 more transcripts); c.749T>G, p.Leu250Arg (NM_001365045.1); c.722T>G, p.Leu241Arg (NM_015840.4, NM_015841.4); short protein forms L241R, L250R.
Identifiers: ClinVar variation 2935670 (VCV002935670.3), dbSNP rs1472127685, ClinGen allele CA342600276.

ClinVar aggregate classification (germline): Uncertain significance (1 of 4 stars; one submission).

Conditions:
Symmetrical dyschromatosis of extremities (DSH). Also called: DYSCHROMATOSIS SYMMETRICA HEREDITARIA 1; RETICULATE ACROPIGMENTATION OF DOHI; SYMMETRIC DYSCHROMATOSIS OF THE EXTREMITIES; Dyschromatosis symmetrica hereditaria. Identifiers: Orphanet 41, MedGen C0406775, MONDO:0007483, OMIM 127400.
Aicardi-Goutieres syndrome 6 (AGS6). Identifiers: Orphanet 51, MedGen C3539013, MONDO:0014007, OMIM 615010.

Submission:

Labcorp Genetics (formerly Invitae), Labcorp
Classification: Uncertain significance for Aicardi-Goutieres syndrome 6; Symmetrical dyschromatosis of extremities. Last evaluated: 2023-06-05. Review status: criteria provided, single submitter. Criteria: Invitae Variant Classification Sherloc (09022015). Collection method: clinical testing. Allele origin: germline.
Comment: Experimental studies and prediction algorithms are not available or were not evaluated, and the functional significance of this variant is currently unknown. This variant has not been reported in the literature in individuals affected with ADAR-related conditions. This variant is not present in population databases (gnomAD no frequency). This sequence change replaces leucine, which is neutral and non-polar, with arginine, which is basic and polar, at codon 241 of the ADAR protein (p.Leu241Arg). In summary, the available evidence is currently insufficient to determine the role of this variant in disease. Therefore, it has been classified as a Variant of Uncertain Significance.